The following is an entry in ClinVar:

ClinVar aggregate classification (germline): Uncertain significance. Review status: criteria provided, multiple submitters, no conflicts (2 of 4 stars). 2 submissions from 2 submitters: Uncertain significance (2). Last evaluated 2023-08-04.

Conditions:
Rhabdoid tumor predisposition syndrome 2 (RTPS2). Identifiers: Orphanet 231108, Orphanet 69077, MedGen C2750074, MONDO:0013224, OMIM 613325.
Hereditary cancer-predisposing syndrome. Also called: Neoplastic Syndromes, Hereditary; Tumor predisposition; Hereditary neoplastic syndrome; Hereditary Cancer Syndrome. Identifiers: Orphanet 140162, MedGen C0027672, MeSH D009386, MONDO:0015356.

Submissions (2):

Labcorp Genetics (formerly Invitae), Labcorp
Classification: Uncertain significance for Rhabdoid tumor predisposition syndrome 2. Last evaluated: 2023-08-04. Review status: criteria provided, single submitter. Criteria: Invitae Variant Classification Sherloc (09022015). Collection method: clinical testing. Allele origin: germline.
Comment: This sequence change replaces alanine, which is neutral and non-polar, with valine, which is neutral and non-polar, at codon 227 of the SMARCA4 protein (p.Ala227Val). This variant is not present in population databases (gnomAD no frequency). This variant has not been reported in the literature in individuals affected with SMARCA4-related conditions. ClinVar contains an entry for this variant (Variation ID: 826634). Advanced modeling of protein sequence and biophysical properties (such as structural, functional, and spatial information, amino acid conservation, physicochemical variation, residue mobility, and thermodynamic stability) performed at Invitae indicates that this missense variant is not expected to disrupt SMARCA4 protein function. In summary, the available evidence is currently insufficient to determine the role of this variant in disease. Therefore, it has been classified as a Variant of Uncertain Significance.

Ambry Genetics
Classification: Uncertain significance for Hereditary cancer-predisposing syndrome. Last evaluated: 2019-10-19. Review status: criteria provided, single submitter. Criteria: Ambry Variant Classification Scheme 2023. Collection method: clinical testing. Allele origin: germline.
Comment: The p.A227V variant (also known as c.680C>T), located in coding exon 3 of the SMARCA4 gene, results from a C to T substitution at nucleotide position 680. The alanine at codon 227 is replaced by valine, an amino acid with similar properties. This amino acid position is not well conserved in available vertebrate species. In addition, this alteration is predicted to be tolerated by in silico analysis. Since supporting evidence is limited at this time, the clinical significance of this alteration remains unclear.

NM_003072.5(SMARCA4):c.680C>T (p.Ala227Val)

Gene: SMARCA4 (SWI/SNF related BAF chromatin remodeling complex subunit ATPase 4; plus strand). Cytogenetic location: 19p13.2.
Variant type: single nucleotide variant.
Coding change: c.680C>T on transcript NM_003072.5 (MANE Select); coding-DNA position 680, C replaced by T.
Protein change: p.Ala227Val; replaces alanine 227 with valine.
Molecular consequence: missense variant. On other transcripts: non-coding transcript variant (1).
Genome position (GRCh38, 1-based): chr19:10,986,513, C>T. VCF-style: chr19-10986513-C-T. GRCh37 (hg19) VCF-style: chr19-11097189-C-T.
Other names: c.680C>T, p.Ala227Val (NM_001128844.3, NM_001128845.2, NM_001128846.2 and 4 more transcripts); short protein forms A227V.
Identifiers: ClinVar variation 826634 (VCV000826634.6), dbSNP rs1599952268, ClinGen allele CA404056950.